The following is an entry in ClinVar:

NM_006031.6(PCNT):c.3058A>T (p.Lys1020Ter)

Gene: PCNT (pericentrin; plus strand). Cytogenetic location: 21q22.3.
Variant type: single nucleotide variant.
Coding change: c.3058A>T on transcript NM_006031.6 (MANE Select); coding-DNA position 3058, A replaced by T.
Protein change: p.Lys1020Ter; replaces lysine 1020 with a stop codon.
Molecular consequence: nonsense.
Genome position (GRCh38, 1-based): chr21:46,367,032, A>T. VCF-style: chr21-46367032-A-T. GRCh37 (hg19) VCF-style: chr21-47786947-A-T.
Other names: c.2704A>T, p.Lys902Ter (NM_001315529.2); short protein forms K1020*, K902*.
Identifiers: ClinVar variation 436261 (VCV000436261.7), dbSNP rs1555962301, ClinGen allele CA410570248.

ClinVar aggregate classification (germline): Pathogenic. Review status: criteria provided, multiple submitters, no conflicts (2 of 4 stars). 2 submissions from 2 submitters: Pathogenic (2). Last evaluated 2020-03-24.

Conditions:
Microcephalic osteodysplastic primordial dwarfism type II (MOPD2). Also called: Microcephalic osteodysplastic primordial dwarfism with tooth abnormalities; MOPD II; OSTEODYSPLASTIC PRIMORDIAL DWARFISM, TYPE II. Identifiers: Orphanet 2637, MedGen C0432246, MONDO:0008872, OMIM 210720.

Submissions (2):

Baylor Genetics
Classification: Pathogenic for Microcephalic osteodysplastic primordial dwarfism type II. Last evaluated: 2020-03-24. Review status: criteria provided, single submitter. Criteria: ACMG Guidelines, 2015. Collection method: clinical testing. Allele origin: unknown. Affected: yes.
Comment: This variant was determined to be pathogenic according to ACMG Guidelines, 2015 [PMID:25741868].

Genetic Services Laboratory, University of Chicago
Classification: Pathogenic for Microcephalic osteodysplastic primordial dwarfism, type II. Last evaluated: 2015-10-16. Review status: criteria provided, single submitter. Criteria: ACMG Guidelines, 2015. Collection method: clinical testing. Allele origin: germline. Affected: yes.